The following is an entry in ClinVar:

ClinVar aggregate classification (germline): Uncertain significance (1 of 4 stars; one submission).

Allele frequency attached by ClinVar (database versions not stated): gnomAD exomes below 0.00001; TOPMed below 0.00001.
gnomAD v4.1: 4 of 1,614,144 alleles (0.00025%); highest among the groups gnomAD compares: Non-Finnish European, 0.00034%; no homozygotes.

Submission:

Labcorp Genetics (formerly Invitae), Labcorp
Classification: Uncertain significance. Last evaluated: 2024-01-18. Review status: criteria provided, single submitter. Criteria: Invitae Variant Classification Sherloc (09022015). Collection method: clinical testing. Allele origin: germline.
Comment: This sequence change replaces arginine, which is basic and polar, with glutamine, which is neutral and polar, at codon 275 of the RIPK1 protein (p.Arg275Gln). This variant is not present in population databases (gnomAD no frequency). This variant has not been reported in the literature in individuals affected with RIPK1-related conditions. An algorithm developed to predict the effect of missense changes on protein structure and function (PolyPhen-2) suggests that this variant is likely to be disruptive. In summary, the available evidence is currently insufficient to determine the role of this variant in disease. Therefore, it has been classified as a Variant of Uncertain Significance.

NM_001354930.2(RIPK1):c.824G>A (p.Arg275Gln)

Gene: RIPK1 (receptor interacting serine/threonine kinase 1; plus strand). Cytogenetic location: 6p25.2.
Variant type: single nucleotide variant.
Coding change: c.824G>A on transcript NM_001354930.2 (MANE Select); coding-DNA position 824, G replaced by A.
Protein change: p.Arg275Gln; replaces arginine 275 with glutamine.
Molecular consequence: missense variant.
Genome position (GRCh38, 1-based): chr6:3,085,394, G>A. VCF-style: chr6-3085394-G-A. GRCh37 (hg19) VCF-style: chr6-3085628-G-A.
Other names: c.335G>A, p.Arg112Gln (NM_001317061.3, NM_001354932.2, NM_001354933.2 and 1 more transcripts); c.686G>A, p.Arg229Gln (NM_001354931.2); c.824G>A, p.Arg275Gln (NM_003804.6); short protein forms R112Q, R229Q, R275Q.
Identifiers: ClinVar variation 2868074 (VCV002868074.3), dbSNP rs1759636261, ClinGen allele CA362581047.